The following is an entry in ClinVar:

NM_033198.4(PIGS):c.993del (p.Ala332fs)

Gene: PIGS (phosphatidylinositol glycan anchor biosynthesis class S; minus strand). Cytogenetic location: 17q11.2.
Variant type: Deletion.
Coding change: c.993del on transcript NM_033198.4 (MANE Select); coding-DNA position 993, one base deleted (T; older notation c.993delT).
Protein change: p.Ala332fs; shifts the reading frame from alanine 332.
Molecular consequence: frameshift variant.
Genome position (GRCh38, 1-based): chr17:28,556,914, A deleted on the plus strand (T on the coding strand, the reverse complement: PIGS is on the minus strand); the first of 2 consecutive A bases (chr17:28,556,914-28,556,915); deleting either gives the same sequence. VCF-style (leftmost placement, unchanged base first): chr17-28556913-CA-C. GRCh37 (hg19) VCF-style: chr17-26883931-CA-C.
Other names: short protein forms A332fs.
Identifiers: ClinVar variation 4850817 (VCV004850817.1).

ClinVar aggregate classification (germline): Likely pathogenic (1 of 4 stars; one submission).

Conditions:
Glycosylphosphatidylinositol biosynthesis defect 18. Also called: DEVELOPMENTAL AND EPILEPTIC ENCEPHALOPATHY 95. Identifiers: MedGen C4748357, MONDO:0029140, OMIM 618143.

Submission:

Variantyx, Inc.
Classification: Likely pathogenic for Glycosylphosphatidylinositol biosynthesis defect 18. Last evaluated: 2025-07-15. Review status: criteria provided, single submitter. Criteria: Variantyx Assertion Criteria 2022. Collection method: clinical testing. Allele origin: germline. Inheritance: Autosomal recessive inheritance. Affected: no.
Comment: This is a frameshift variant in the PIGS gene (OMIM: 610271). Pathogenic variants in this gene have been associated with autosomal recessive developmental and epileptic encephalopathy 95. This variant introduces a premature termination codon in exon 9 out of 12 and is expected to result in loss of function, which is a known disease mechanism for PIGS in this disorder (PVS1) (PMID:30269814). This variant has a 0.0019% maximum allele frequency in non-founder control populations (PM2). Based on the current evidence, this variant is classified as likely pathogenic for autosomal recessive developmental and epileptic encephalopathy 95.

Literature cited by the submitters: PubMed 30269814.